The following is an entry in ClinVar:

NM_004621.6(TRPC6):c.374A>G (p.Asn125Ser)

Gene: TRPC6 (transient receptor potential cation channel subfamily C member 6; minus strand). Cytogenetic location: 11q22.1.
Variant type: single nucleotide variant.
Coding change: c.374A>G on transcript NM_004621.6 (MANE Select); coding-DNA position 374, A replaced by G.
Protein change: p.Asn125Ser; replaces asparagine 125 with serine.
Molecular consequence: missense variant.
Genome position (GRCh38, 1-based): chr11:101,504,595, T>C on the plus strand (A>G on the coding strand, the complement: TRPC6 is on the minus strand). VCF-style: chr11-101504595-T-C. GRCh37 (hg19) VCF-style: chr11-101375326-T-C.
Other names: short protein forms N125S.
Identifiers: ClinVar variation 880288 (VCV000880288.16), dbSNP rs146776939, ClinGen allele CA6244533.

ClinVar aggregate classification (germline): Conflicting classifications of pathogenicity. Review status: criteria provided, conflicting classifications (1 of 4 stars). 5 submissions from 5 submitters: Uncertain significance (2); Likely benign (3). Last evaluated 2025-02-14.

Conditions:
TRPC6-related disorder. Also called: TRPC6-related condition.
Focal segmental glomerulosclerosis 2 (FSGS2). Identifiers: Orphanet 656, MedGen C1858915, MONDO:0011390, OMIM 603965.

Allele frequency attached by ClinVar (database versions not stated): gnomAD exomes 0.00020 and 0.00035; ExAC 0.00021; gnomAD 0.00021 and 0.00022; TOPMed 0.00026; ESP Exome Variant Server 0.00046.

Submissions (5):

PreventionGenetics, part of Exact Sciences
Classification: Likely benign for TRPC6-related condition. Last evaluated: 2025-02-14. Review status: criteria provided, single submitter. Criteria: ACMG Guidelines, 2015. Collection method: clinical testing. Allele origin: germline.
Comment: This variant is classified as likely benign based on ACMG/AMP sequence variant interpretation guidelines (Richards et al. 2015 PMID: 25741868, with internal and published modifications).

Fulgent Genetics
Classification: Likely benign for Focal segmental glomerulosclerosis 2. Last evaluated: 2024-02-12. Review status: criteria provided, single submitter. Criteria: ACMG Guidelines, 2015. Collection method: clinical testing. Allele origin: germline.

Labcorp Genetics (formerly Invitae), Labcorp
Classification: Likely benign. Last evaluated: 2023-11-27. Review status: criteria provided, single submitter. Criteria: Invitae Variant Classification Sherloc (09022015). Collection method: clinical testing. Allele origin: germline.

Illumina Laboratory Services, Illumina
Classification: Uncertain significance for Focal segmental glomerulosclerosis 2. Last evaluated: 2017-04-27. Review status: criteria provided, single submitter. Criteria: ICSL Variant Classification Criteria 13 December 2019. Collection method: clinical testing. Allele origin: germline.

Breakthrough Genomics
Classification: Uncertain significance. Review status: criteria provided, single submitter. Criteria: ACMG Guidelines, 2015. Collection method: not provided. Allele origin: germline. Inheritance: Autosomal dominant inheritance. Affected: yes.